The following is an entry in ClinVar:

NM_001267550.2(TTN):c.102142G>T (p.Asp34048Tyr)

Genes: TTN (titin; minus strand), TTN-AS1 (TTN antisense RNA 1; plus strand). Cytogenetic location: 2q31.2.
Variant type: single nucleotide variant.
Coding change: c.102142G>T on transcript NM_001267550.2 (MANE Select); coding-DNA position 102142, G replaced by T.
Protein change: p.Asp34048Tyr; replaces aspartic acid 34048 with tyrosine.
Molecular consequence: missense variant.
Genome position (GRCh38, 1-based): chr2:178,534,473, C>A on the plus strand (G>T on the coding strand, the complement: TTN is on the minus strand). VCF-style: chr2-178534473-C-A. GRCh37 (hg19) VCF-style: chr2-179399200-C-A.
Other names: c.97219G>T, p.Asp32407Tyr (NM_001256850.1); c.74947G>T, p.Asp24983Tyr (NM_003319.4); c.94438G>T, p.Asp31480Tyr (NM_133378.4); c.75322G>T, p.Asp25108Tyr (NM_133432.3); c.75523G>T, p.Asp25175Tyr (NM_133437.4); short protein forms D25175Y, D32407Y, D34048Y, D24983Y, D31480Y, D25108Y.
Identifiers: ClinVar variation 1895696 (VCV001895696.5), dbSNP rs778467259, ClinGen allele CA349418264.

ClinVar aggregate classification (germline): Uncertain significance (1 of 4 stars; one submission).

Conditions:
Dilated cardiomyopathy 1G (CMD1G). Identifiers: Orphanet 154, MedGen C1858763, MONDO:0011400, OMIM 604145.
Autosomal recessive limb-girdle muscular dystrophy type 2J (LGMDR10). Also called: MUSCULAR DYSTROPHY, LIMB-GIRDLE, AUTOSOMAL RECESSIVE 10; Limb-girdle muscular dystrophy, type 2J. Identifiers: Orphanet 140922, MedGen C1837342, MONDO:0012127, OMIM 608807.

Allele frequency attached by ClinVar (database versions not stated): gnomAD 0.00001; TOPMed 0.00001.
gnomAD v4.1: 1 of 1,613,494 alleles (0.000062%); highest among the groups gnomAD compares: African/African-American, 0.0013%; no homozygotes.

Submission:

Labcorp Genetics (formerly Invitae), Labcorp
Classification: Uncertain significance for Dilated cardiomyopathy 1G; Autosomal recessive limb-girdle muscular dystrophy type 2J. Last evaluated: 2023-11-05. Review status: criteria provided, single submitter. Criteria: Invitae Variant Classification Sherloc (09022015). Collection method: clinical testing. Allele origin: germline.
Comment: This sequence change replaces aspartic acid, which is acidic and polar, with tyrosine, which is neutral and polar, at codon 34048 of the TTN protein (p.Asp34048Tyr). This variant is present in population databases (no rsID available, gnomAD 0.01%). This variant has not been reported in the literature in individuals affected with TTN-related conditions. ClinVar contains an entry for this variant (Variation ID: 1895696). Experimental studies and prediction algorithms are not available or were not evaluated, and the functional significance of this variant is currently unknown. This variant is located in the M band of TTN (PMID: 25589632). Variants in this region may be relevant for neuromuscular disorders, but have not been definitively shown to cause cardiomyopathy (PMID: 23975875). In summary, the available evidence is currently insufficient to determine the role of this variant in disease. Therefore, it has been classified as a Variant of Uncertain Significance.

Literature cited by the submitters: PubMed 25589632; PubMed 23975875.